The following is an entry in ClinVar:

ClinVar aggregate classification (germline): Uncertain significance (1 of 4 stars; one submission).

Allele frequency attached by ClinVar (database versions not stated): gnomAD exomes below 0.00001 and 0.00002.
gnomAD v4.1: 5 of 1,613,380 alleles (0.00031%); highest among the groups gnomAD compares: Admixed American, 0.0083%; no homozygotes.

Submission:

Labcorp Genetics (formerly Invitae), Labcorp
Classification: Uncertain significance. Last evaluated: 2024-11-05. Review status: criteria provided, single submitter. Criteria: Invitae Variant Classification Sherloc (09022015). Collection method: clinical testing. Allele origin: germline.
Comment: This sequence change replaces asparagine, which is neutral and polar, with lysine, which is basic and polar, at codon 299 of the DHX32 protein (p.Asn299Lys). This variant is present in population databases (no rsID available, gnomAD 0.01%). This variant has not been reported in the literature in individuals affected with DHX32-related conditions. ClinVar contains an entry for this variant (Variation ID: 1427567). An algorithm developed to predict the effect of missense changes on protein structure and function (PolyPhen-2) suggests that this variant is likely to be tolerated. In summary, the available evidence is currently insufficient to determine the role of this variant in disease. Therefore, it has been classified as a Variant of Uncertain Significance.

NM_018180.3(DHX32):c.897C>G (p.Asn299Lys)

Gene: DHX32 (DEAH-box helicase 32 (putative); minus strand). Cytogenetic location: 10q26.2.
Variant type: single nucleotide variant.
Coding change: c.897C>G on transcript NM_018180.3 (MANE Select); coding-DNA position 897, C replaced by G.
Protein change: p.Asn299Lys; replaces asparagine 299 with lysine.
Molecular consequence: missense variant.
Genome position (GRCh38, 1-based): chr10:125,854,156, G>C on the plus strand (C>G on the coding strand, the complement: DHX32 is on the minus strand). VCF-style: chr10-125854156-G-C. GRCh37 (hg19) VCF-style: chr10-127542725-G-C.
Other names: short protein forms N299K.
Identifiers: ClinVar variation 1427567 (VCV001427567.6), dbSNP rs1564826839, ClinGen allele CA378677123.